The following is an entry in ClinVar:

ClinVar aggregate classification (germline): Pathogenic (1 of 4 stars; one submission).

Conditions:
Congenital hyperammonemia, type I. Also called: CPS I DEFICIENCY; Carbamoyl phosphate synthetase 1 deficiency; Hyperammonemia due to carbamoyl phosphate synthetase 1 deficiency; CPS 1 deficiency; Carbamyl phosphate synthetase (CPS) deficiency; Carbamoyl phosphate synthetase I deficiency disease. Identifiers: Orphanet 147, MedGen C4082171, MONDO:0009376, OMIM 237300.

Submission:

Myriad Genetics, Inc.
Classification: Pathogenic for Congenital hyperammonemia, type I. Last evaluated: 2024-03-27. Review status: criteria provided, single submitter. Criteria: Myriad Autosomal Dominant, Autosomal Recessive and X-Linked Classification Criteria (2023). Collection method: clinical testing. Allele origin: unknown.
Comment: NM_001875.4(CPS1):c.3448_3449delAAinsG(K1150Dfs*3) is expected to be pathogenic in the context of carbamoylphosphate synthetase I deficiency. This variant is predicted to lead to an abnormal or absent protein product due to the creation of a premature termination codon in CPS1, a gene where loss-of-function variants are known to be pathogenic. Please note: this variant was assessed in the context of healthy population screening.

NM_001875.5(CPS1):c.3448_3449delinsG (p.Lys1150fs)

Gene: CPS1 (carbamoyl-phosphate synthase 1; plus strand). Cytogenetic location: 2q34.
Variant type: Indel.
Coding change: c.3448_3449delinsG on transcript NM_001875.5 (MANE Select); coding-DNA positions 3448 to 3449, AA replaced by G.
Protein change: p.Lys1150fs; shifts the reading frame from lysine 1150.
Molecular consequence: frameshift variant. On other transcripts: non-coding transcript variant (2).
Genome position (GRCh38, 1-based): chr2:210,650,406-210,650,407, AA replaced by G. VCF-style: chr2-210650406-AA-G. GRCh37 (hg19) VCF-style: chr2-211515130-AA-G.
Other names: c.3448_3449delinsG, p.Lys1150fs (NM_001122633.3, NM_001369257.1); c.3481_3482delinsG, p.Lys1161fs (NM_001369256.1); short protein forms K1150fs, K1161fs.
Identifiers: ClinVar variation 5012868 (VCV005012868.1).
Genomic context (GRCh38, chr2:210,650,406, plus strand): 5'-TCCCCTTCCTTTTCCAGTGGGTCTGCTATGAATGTGGTATTCTCTGAGGATGAGATGAAA[AA>G]ATTCCTAGAAGAGGCGACTAGAGTTTCTCAGGTAGTGTCCAATTTCTTTGTAGTGACTGT-3'